The following is an entry in ClinVar:

ClinVar aggregate classification (germline): Uncertain significance. Review status: reviewed by expert panel (3 of 4 stars). 3 submissions from 3 submitters: Uncertain significance (1). 2 of the submissions do not count toward it. Last evaluated 2023-02-18.

Conditions:
Classic or attenuated familial adenomatous polyposis. Identifiers: MedGen CN372698, MONDO:0021057.
Hereditary cancer-predisposing syndrome. Also called: Neoplastic Syndromes, Hereditary; Tumor predisposition; Hereditary neoplastic syndrome; Hereditary Cancer Syndrome. Identifiers: Orphanet 140162, MedGen C0027672, MeSH D009386, MONDO:0015356.
Familial adenomatous polyposis 1 (FAP1). Also called: POLYPOSIS, ADENOMATOUS INTESTINAL; FAMILIAL ADENOMATOUS POLYPOSIS 1, ATTENUATED. Identifiers: MedGen C2713442, MONDO:0021056, OMIM 175100. Disease mechanism: loss of function.

Submissions (3):

ClinGen InSiGHT Hereditary Colorectal Cancer/Polyposis Variant Curation Expert Panel
Classification: Uncertain significance for Familial adenomatous polyposis 1. Last evaluated: 2023-02-18. Review status: reviewed by expert panel. Criteria: ClinGen InSiGHT HCCP VCEP ACMG Specifications APC V1. Collection method: curation. Allele origin: germline. Inheritance: Autosomal dominant inheritance.
Comment: The c.754A>G variant in APC is a missense variant predicted to cause substitution of threonine by alanine at amino acid 252 (p.Thr252Ala). APC is defined by the ClinGen InSiGHT Hereditary Colorectal Cancer/Polyposis Variant Curation Expert Panel (HCCP VCEP) as a gene for which primarily truncating variants are known to cause disease (BP1). This variant is absent from gnomAD v2.1.1 (PM2_Supporting). In summary, due to insufficient evidence, this variant is a Variant of Uncertain Significance (VUS) for FAP based on the ACMG/AMP criteria applied, as specified by the HCCP VCEP: BP1, PM2_Supporting (VCEP specifications version 1; date of approval 12/12/2022).

All of Us Research Program, National Institutes of Health
Classification: Uncertain significance for Classic or attenuated familial adenomatous polyposis. Last evaluated: 2023-10-06. Review status: criteria provided, single submitter. Criteria: ACMG Guidelines, 2015. Collection method: clinical testing. Allele origin: germline. Inheritance: Autosomal dominant inheritance. Observed: 1 variant allele, 1 heterozygote. Not counted in ClinVar's aggregate classification.
Comment: This missense variant replaces threonine with alanine at codon 252 of the APC protein. Computational prediction suggests that this variant may not impact protein structure and function (internally defined REVEL score threshold <= 0.5, PMID: 27666373). To our knowledge, functional studies have not been reported for this variant. This variant has not been reported in individuals affected with APC-related disorders in the literature. This variant has not been identified in the general population by the Genome Aggregation Database (gnomAD). The available evidence is insufficient to determine the role of this variant in disease conclusively. Therefore, this variant is classified as a Variant of Uncertain Significance.

This study involves interpretation of variants in research participants for the purpose of population health screening. Participant phenotype was not available at the time of variant classification. Additional details can be found in publication PMID: 35346344, PMCID: PMC8962531

Ambry Genetics
Classification: Likely benign for Hereditary cancer-predisposing syndrome. Last evaluated: 2019-07-29. Review status: criteria provided, single submitter. Criteria: Ambry Variant Classification Scheme 2023. Collection method: clinical testing. Allele origin: germline. Not counted in ClinVar's aggregate classification.

NM_000038.6(APC):c.754A>G (p.Thr252Ala)

Gene: APC (APC regulator of Wnt signaling pathway; plus strand). Cytogenetic location: 5q22.2.
Variant type: single nucleotide variant.
Coding change: c.754A>G on transcript NM_000038.6 (MANE Select); coding-DNA position 754, A replaced by G.
Protein change: p.Thr252Ala; replaces threonine 252 with alanine.
Molecular consequence: missense variant. On other transcripts: 5 prime UTR variant (1).
Genome position (GRCh38, 1-based): chr5:112,801,303, A>G. VCF-style: chr5-112801303-A-G. GRCh37 (hg19) VCF-style: chr5-112137000-A-G.
Other names: NM_000038.6(APC):c.754A>G; p.Thr252Ala; c.754A>G, p.Thr252Ala (NM_001127510.3, NM_001354895.2, NM_001354896.2 and 1 more transcripts); c.700A>G, p.Thr234Ala (NM_001127511.3); c.784A>G, p.Thr262Ala (NM_001354897.2, NM_001354902.2); c.679A>G, p.Thr227Ala (NM_001354898.2, NM_001354904.2); c.670A>G, p.Thr224Ala (NM_001354899.2); c.577A>G, p.Thr193Ala (NM_001354900.2, NM_001354901.2, NM_001354905.2); and 1 more; short protein forms T227A, T193A, T224A, T234A, T252A, T262A.
Identifiers: ClinVar variation 827113 (VCV000827113.6), dbSNP rs1580454642, ClinGen allele CA16022984.